The following is an entry in ClinVar:

NM_001035.3(RYR2):c.11476+12_11476+37del

Gene: RYR2 (ryanodine receptor 2; plus strand). Cytogenetic location: 1q43.
Variant type: Deletion.
Coding change: c.11476+12_11476+37del on transcript NM_001035.3 (MANE Select); bases 12 to 37 of the intron after coding-DNA position 11476, 26 bases deleted (TTACATTAAAAGGATCACCTGTCTCC).
Molecular consequence: intron variant.
Genome position (GRCh38, 1-based): chr1:237,761,040-237,761,065, TTACATTAAAAGGATCACCTGTCTCC deleted; deleting any 26 consecutive bases within chr1:237,761,039-237,761,065 gives the same sequence; the c. name uses the placement nearest the transcript's 3' end. VCF-style (leftmost placement, unchanged base first): chr1-237761038-ACTTACATTAAAAGGATCACCTGTCTC-A. GRCh37 (hg19) VCF-style: chr1-237924338-ACTTACATTAAAAGGATCACCTGTCTC-A.
Identifiers: ClinVar variation 2802967 (VCV002802967.3), dbSNP rs1292453420, ClinGen allele CA529551796.

ClinVar aggregate classification (germline): Uncertain significance (1 of 4 stars; one submission).

Conditions:
Catecholaminergic polymorphic ventricular tachycardia 1. Also called: VENTRICULAR TACHYCARDIA, STRESS-INDUCED POLYMORPHIC 1; VENTRICULAR TACHYCARDIA, CATECHOLAMINERGIC POLYMORPHIC, 1, WITH OR WITHOUT ATRIAL DYSFUNCTION AND/OR DILATED CARDIOMYOPATHY; RYR2-Related Catecholaminergic Polymorphic Ventricular Tachycardia. Identifiers: Orphanet 3286, MedGen C1631597, MONDO:0011484, OMIM 604772.

Submission:

Labcorp Genetics (formerly Invitae), Labcorp
Classification: Uncertain significance for Catecholaminergic polymorphic ventricular tachycardia 1. Last evaluated: 2024-01-01. Review status: criteria provided, single submitter. Criteria: Invitae Variant Classification Sherloc (09022015). Collection method: clinical testing. Allele origin: germline.
Comment: This sequence change falls in intron 84 of the RYR2 gene. It does not directly change the encoded amino acid sequence of the RYR2 protein. This variant is present in population databases (no rsID available, gnomAD 0.01%). This variant has not been reported in the literature in individuals affected with RYR2-related conditions. Experimental studies and prediction algorithms are not available or were not evaluated, and the effect of this variant on mRNA splicing is currently unknown. In summary, the available evidence is currently insufficient to determine the role of this variant in disease. Therefore, it has been classified as a Variant of Uncertain Significance.